The following is an entry in ClinVar:

NM_004004.6(GJB2):c.*3C>A

Gene: GJB2 (gap junction protein beta 2; minus strand). Cytogenetic location: 13q12.11.
Variant type: single nucleotide variant.
Coding change: c.*3C>A on transcript NM_004004.6 (MANE Select); 3 bases downstream of the stop codon, C replaced by A.
Molecular consequence: 3 prime UTR variant.
Genome position (GRCh38, 1-based): chr13:20,188,898, G>T on the plus strand (C>A on the coding strand, the complement: GJB2 is on the minus strand). VCF-style: chr13-20188898-G-T. GRCh37 (hg19) VCF-style: chr13-20763037-G-T.
Other names: c.*3C>A.
Identifiers: ClinVar variation 44716 (VCV000044716.24), dbSNP rs111033460, ClinGen allele CA134941.
Genomic context (GRCh38, chr13:20,188,898, plus strand): 5'-GAGCACGGGTTGCCTCATCCCTCTCATGCTGTCTATTTCTTAATCTAACAACTGGGCAAT[G>T]CGTTAAACTGGCTTTTTTGACTTCCCAGAACAATATCTAATTAGCAAATAACACAATTCA-3'

ClinVar aggregate classification (germline): Benign/Likely benign. Review status: criteria provided, multiple submitters, no conflicts (2 of 4 stars). 9 submissions from 8 submitters: Benign (2); Likely benign (7). Last evaluated 2024-12-23.

Conditions:
Autosomal recessive nonsyndromic hearing loss 1A (DFNB1A). Also called: Connexin 26 deafness; Deafness nonsyndromic, Connexin 26 linked; GJB6-Related DFNB 1 Nonsyndromic Hearing Loss and Deafness; Deafness, autosomal recessive 1A; Nonsyndromic Hearing Loss and Deafness, DFNB1; GJB2-Related Autosomal Recessive Nonsyndromic Hearing Loss. Identifiers: Orphanet 90636, MedGen C2673759, MONDO:0009076, OMIM 220290.
Autosomal dominant nonsyndromic hearing loss 3A. Identifiers: Orphanet 90635, MedGen C2675750, MONDO:0011103, OMIM 601544.
Ichthyosis, hystrix-like, with hearing loss. Also called: Hystrix-like ichthyosis with deafness. Identifiers: Orphanet 477, MedGen C1865234, MONDO:0011245.

Allele frequency attached by ClinVar (database versions not stated): TOPMed 0.00059; 1000 Genomes Project 0.00060; ESP Exome Variant Server 0.00093; 1000 Genomes Project 30x 0.00047; gnomAD 0.00149 and 0.00155; ExAC 0.00168.

Submissions (9):

GeneDx
Classification: Likely benign. Last evaluated: 2024-12-23. Review status: criteria provided, single submitter. Criteria: GeneDx Variant Classification Process June 2021. Collection method: clinical testing. Allele origin: germline. Affected: yes.
Comment: See Variant Classification Assertion Criteria.

Blueprint Genetics
Classification: Likely benign. Last evaluated: 2024-11-26. Review status: criteria provided, single submitter. Criteria: ACMG Guidelines, 2015. Collection method: clinical testing. Allele origin: germline.

Women's Health and Genetics/Laboratory Corporation of America, LabCorp
Classification: Benign. Last evaluated: 2022-01-20. Review status: criteria provided, single submitter. Criteria: LabCorp Variant Classification Summary - May 2015. Collection method: clinical testing. Allele origin: germline.

Illumina Laboratory Services, Illumina
Classification: Benign for Autosomal dominant keratitis-ichthyosis-hearing loss syndrome. Last evaluated: 2018-01-13. Review status: criteria provided, single submitter. Criteria: ICSL Variant Classification Criteria 13 December 2019. Collection method: clinical testing. Allele origin: germline.
Comment: This variant was observed in the ICSL laboratory as part of a predisposition screen in an ostensibly healthy population. It had not been previously curated by ICSL or reported in the Human Gene Mutation Database (HGMD: prior to June 1st, 2018), and was therefore a candidate for classification through an automated scoring system. Utilizing variant allele frequency, disease prevalence and penetrance estimates, and inheritance mode, an automated score was calculated to assess if this variant is too frequent to cause the disease. Based on the score and internal cut-off values, a variant classified as benign is not then subjected to further curation. The score for this variant resulted in a classification of benign for this disease.

Illumina Laboratory Services, Illumina
Classification: Likely benign for Autosomal dominant nonsyndromic hearing loss 3A. Last evaluated: 2018-01-13. Review status: criteria provided, single submitter. Criteria: ICSL Variant Classification Criteria 13 December 2019. Collection method: clinical testing. Allele origin: germline.
Comment: This variant was observed in the ICSL laboratory as part of a predisposition screen in an ostensibly healthy population. It had not been previously curated by ICSL or reported in the Human Gene Mutation Database (HGMD: prior to June 1st, 2018), and was therefore a candidate for classification through an automated scoring system. Utilizing variant allele frequency, disease prevalence and penetrance estimates, and inheritance mode, an automated score was calculated to assess if this variant is too frequent to cause the disease. Based on the score and internal cut-off values, a variant classified as likely benign is not then subjected to further curation. The score for this variant resulted in a classification of likely benign for this disease.

ARUP Laboratories, Molecular Genetics and Genomics, ARUP Laboratories
Classification: Likely benign. Last evaluated: 2017-07-10. Review status: criteria provided, single submitter. Criteria: ARUP Molecular Germline Variant Investigation Process. Collection method: clinical testing. Allele origin: germline.

Genomic Diagnostic Laboratory, Division of Genomic Diagnostics, Children's Hospital of Philadelphia
Classification: Likely benign for Deafness, autosomal recessive 1A. Last evaluated: 2017-05-09. Review status: criteria provided, single submitter. Criteria: DGD Variant Analysis Guidelines. Collection method: clinical testing. Allele origin: germline. Affected: yes. Observed: 2 variant alleles.

Eurofins Ntd Llc (ga)
Classification: Likely benign. Last evaluated: 2016-10-28. Review status: criteria provided, single submitter. Criteria: EGL Classification Definitions 2015. Collection method: clinical testing. Allele origin: germline. Observed: 1 variant allele, 1 heterozygote.

Laboratory for Molecular Medicine, Mass General Brigham Personalized Medicine
Classification: Likely benign. Last evaluated: 2015-02-19. Review status: criteria provided, single submitter. Criteria: LMM Criteria. Collection method: clinical testing. Allele origin: germline. Observed: 7 variant alleles.
Comment: c.*3C>A in the 3' UTR of GJB2: This variant is not expected to have clinical sig nificance because it has been identified in 0.9% (57/6612) of Finnish chromosome s by the Exome Aggregation Consortium (ExAC; dbS NP rs111033460).

Literature cited by the submitters: PubMed 19230829 (cited by Women's Health and Genetics/Laboratory Corporation of America, LabCorp); PubMed 19371219 (cited by Women's Health and Genetics/Laboratory Corporation of America, LabCorp); PubMed 22281373 (cited by Women's Health and Genetics/Laboratory Corporation of America, LabCorp); PubMed 19125024 (cited by Women's Health and Genetics/Laboratory Corporation of America, LabCorp); PubMed 22567861 (cited by Women's Health and Genetics/Laboratory Corporation of America, LabCorp); PubMed 17357124 (cited by Women's Health and Genetics/Laboratory Corporation of America, LabCorp); PubMed 16645853 (cited by Laboratory for Molecular Medicine, Mass General Brigham Personalized Medicine).